The following is an entry in ClinVar:

ClinVar aggregate classification (germline): Likely benign. Review status: criteria provided, multiple submitters, no conflicts (2 of 4 stars). 4 submissions from 4 submitters: Likely benign (4). Last evaluated 2025-07-30.

Conditions:
ANKRD26-related disorder. Also called: ANKRD26-related condition.
Inborn genetic diseases. Identifiers: MedGen C0950123, MeSH D030342.

Allele frequency attached by ClinVar (database versions not stated): gnomAD 0.00002; TOPMed 0.00003; ExAC 0.00005; gnomAD exomes 0.00007; ESP Exome Variant Server 0.00017.
gnomAD v4.1: 103 of 1,612,966 alleles (0.0064%); highest among the groups gnomAD compares: Non-Finnish European, 0.0082%; 1 homozygote.

Submissions (4):

Labcorp Genetics (formerly Invitae), Labcorp
Classification: Likely benign. Last evaluated: 2025-07-30. Review status: criteria provided, single submitter. Criteria: Invitae Variant Classification Sherloc (09022015). Collection method: clinical testing. Allele origin: germline.

PreventionGenetics, part of Exact Sciences
Classification: Likely benign for ANKRD26-related condition. Last evaluated: 2025-01-17. Review status: criteria provided, single submitter. Criteria: ACMG Guidelines, 2015. Collection method: clinical testing. Allele origin: germline.
Comment: This variant is classified as likely benign based on ACMG/AMP sequence variant interpretation guidelines (Richards et al. 2015 PMID: 25741868, with internal and published modifications).

Ambry Genetics
Classification: Likely benign for Inborn genetic diseases. Last evaluated: 2024-11-30. Review status: criteria provided, single submitter. Criteria: Ambry Variant Classification Scheme 2023. Collection method: clinical testing. Allele origin: germline.

Blueprint Genetics
Classification: Likely benign. Last evaluated: 2022-09-19. Review status: criteria provided, single submitter. Criteria: ACMG Guidelines, 2015. Collection method: clinical testing. Allele origin: germline.

NM_014915.3(ANKRD26):c.108G>C (p.Ser36=)

Genes: ANKRD26 (ankyrin repeat domain 26; minus strand), LOC130003554 (ATAC-STARR-seq lymphoblastoid silent region 2243; plus strand). Cytogenetic location: 10p12.1.
Variant type: single nucleotide variant.
Coding change: c.108G>C on transcript NM_014915.3 (MANE Select); coding-DNA position 108, G replaced by C.
Protein change: p.Ser36=; no amino-acid change (serine 36 retained).
Molecular consequence: synonymous variant.
Genome position (GRCh38, 1-based): chr10:27,100,219, C>G on the plus strand (G>C on the coding strand, the complement: ANKRD26 is on the minus strand). VCF-style: chr10-27100219-C-G. GRCh37 (hg19) VCF-style: chr10-27389148-C-G.
Other names: c.108G>C, p.Ser36= (NM_001256053.2).
Identifiers: ClinVar variation 2077850 (VCV002077850.7), dbSNP rs376448586, ClinGen allele CA5449062.